The following is an entry in ClinVar:

ClinVar aggregate classification (germline): Uncertain significance (1 of 4 stars; one submission).

Conditions:
Dilated cardiomyopathy 1G (CMD1G). Identifiers: Orphanet 154, MedGen C1858763, MONDO:0011400, OMIM 604145.
Autosomal recessive limb-girdle muscular dystrophy type 2J (LGMDR10). Also called: Limb-girdle muscular dystrophy, type 2J; MUSCULAR DYSTROPHY, LIMB-GIRDLE, AUTOSOMAL RECESSIVE 10. Identifiers: Orphanet 140922, MedGen C1837342, MONDO:0012127, OMIM 608807.

Allele frequency attached by ClinVar (database versions not stated): gnomAD exomes below 0.00001.
gnomAD v4.1: 1 of 1,613,922 alleles (0.000062%); highest among the groups gnomAD compares: African/African-American, 0.0013%; no homozygotes.

Submission:

Labcorp Genetics (formerly Invitae), Labcorp
Classification: Uncertain significance for Dilated cardiomyopathy 1G; Autosomal recessive limb-girdle muscular dystrophy type 2J. Last evaluated: 2022-03-21. Review status: criteria provided, single submitter. Criteria: Invitae Variant Classification Sherloc (09022015). Collection method: clinical testing. Allele origin: germline.
Comment: This variant has not been reported in the literature in individuals affected with TTN-related conditions. Experimental studies and prediction algorithms are not available or were not evaluated, and the functional significance of this variant is currently unknown. This variant is located in the M band of TTN (PMID: 25589632). Variants in this region may be relevant for neuromuscular disorders, but have not been definitively shown to cause cardiomyopathy (PMID: 23975875). In summary, the available evidence is currently insufficient to determine the role of this variant in disease. Therefore, it has been classified as a Variant of Uncertain Significance. This sequence change replaces proline, which is neutral and non-polar, with leucine, which is neutral and non-polar, at codon 34776 of the TTN protein (p.Pro34776Leu). This variant is not present in population databases (gnomAD no frequency).

Literature cited by the submitters: PubMed 25589632; PubMed 23975875.

NM_001267550.2(TTN):c.104327C>T (p.Pro34776Leu)

Genes: TTN-AS1 (TTN antisense RNA 1; plus strand), TTN (titin; minus strand). Cytogenetic location: 2q31.2.
Variant type: single nucleotide variant.
Coding change: c.104327C>T on transcript NM_001267550.2 (MANE Select); coding-DNA position 104327, C replaced by T.
Protein change: p.Pro34776Leu; replaces proline 34776 with leucine.
Molecular consequence: missense variant.
Genome position (GRCh38, 1-based): chr2:178,532,288, G>A on the plus strand (C>T on the coding strand, the complement: TTN is on the minus strand). VCF-style: chr2-178532288-G-A. GRCh37 (hg19) VCF-style: chr2-179397015-G-A.
Other names: c.99404C>T, p.Pro33135Leu (NM_001256850.1); c.77132C>T, p.Pro25711Leu (NM_003319.4); c.96623C>T, p.Pro32208Leu (NM_133378.4); c.77507C>T, p.Pro25836Leu (NM_133432.3); c.77708C>T, p.Pro25903Leu (NM_133437.4); short protein forms P32208L, P33135L, P34776L, P25836L, P25711L, P25903L.
Identifiers: ClinVar variation 2064133 (VCV002064133.4), dbSNP rs2468444690, ClinGen allele CA349411977.
Genomic context (GRCh38, chr2:178,532,288, plus strand): 5'-TCCTTTGACATGAAGTCAAGTTCGCTTTTGTATTCTGAGAGATGCTGGGTGGTCGTAACT[G>A]GGCGAAGCAACTCTTCATCCTCCCTCTCAGCCATGATTCTTTGCCGTTGCTTTGGCTGTC-3'
Protein context (NP_001254479.2, residues 34766-34786): AEREDEELLR[Pro34776Leu]VTTTQHLSEY